The following is an entry in ClinVar:

ClinVar aggregate classification (germline): Uncertain significance (1 of 4 stars; one submission).

Conditions:
Schimke immuno-osseous dysplasia (SIOD). Also called: Schimke Immunoosseous Dysplasia. Identifiers: Orphanet 1830, MedGen C0877024, MONDO:0009458, OMIM 242900.

Allele frequency attached by ClinVar (database versions not stated): ExAC 0.00001.
gnomAD v4.1: 11 of 1,614,124 alleles (0.00068%); highest among the groups gnomAD compares: Non-Finnish European, 0.00093%; no homozygotes.

Submission:

Labcorp Genetics (formerly Invitae), Labcorp
Classification: Uncertain significance for Schimke immuno-osseous dysplasia. Last evaluated: 2021-09-30. Review status: criteria provided, single submitter. Criteria: Invitae Variant Classification Sherloc (09022015). Collection method: clinical testing. Allele origin: germline.
Comment: This sequence change replaces phenylalanine with leucine at codon 863 of the SMARCAL1 protein (p.Phe863Leu). The phenylalanine residue is moderately conserved and there is a small physicochemical difference between phenylalanine and leucine. This variant is present in population databases (rs759400963, ExAC 0.001%). This variant has not been reported in the literature in individuals affected with SMARCAL1-related conditions. Algorithms developed to predict the effect of missense changes on protein structure and function (SIFT, PolyPhen-2, Align-GVGD) all suggest that this variant is likely to be tolerated. In summary, the available evidence is currently insufficient to determine the role of this variant in disease. Therefore, it has been classified as a Variant of Uncertain Significance.

NM_014140.4(SMARCAL1):c.2589T>G (p.Phe863Leu)

Gene: SMARCAL1 (SNF2 related chromatin remodeling annealing helicase 1; plus strand). Cytogenetic location: 2q35.
Variant type: single nucleotide variant.
Coding change: c.2589T>G on transcript NM_014140.4 (MANE Select); coding-DNA position 2589, T replaced by G.
Protein change: p.Phe863Leu; replaces phenylalanine 863 with leucine.
Molecular consequence: missense variant.
Genome position (GRCh38, 1-based): chr2:216,478,263, T>G. VCF-style: chr2-216478263-T-G. GRCh37 (hg19) VCF-style: chr2-217342986-T-G.
Other names: c.2589T>G, p.Phe863Leu (NM_001127207.2); short protein forms F863L.
Identifiers: ClinVar variation 1492665 (VCV001492665.5), dbSNP rs759400963, ClinGen allele CA2098253.